The following is an entry in ClinVar:

NM_003803.4(MYOM1):c.2956G>A (p.Ala986Thr)

Gene: MYOM1 (myomesin 1; minus strand). Cytogenetic location: 18p11.31.
Variant type: single nucleotide variant.
Coding change: c.2956G>A on transcript NM_003803.4 (MANE Select); coding-DNA position 2956, G replaced by A.
Protein change: p.Ala986Thr; replaces alanine 986 with threonine.
Molecular consequence: missense variant.
Genome position (GRCh38, 1-based): chr18:3,126,736, C>T on the plus strand (G>A on the coding strand, the complement: MYOM1 is on the minus strand). VCF-style: chr18-3126736-C-T. GRCh37 (hg19) VCF-style: chr18-3126734-C-T.
Other names: c.2668G>A, p.Ala890Thr (NM_019856.2); short protein forms A986T, A890T.
Identifiers: ClinVar variation 1798105 (VCV001798105.2), dbSNP rs2510615325, ClinGen allele CA401708384.

ClinVar aggregate classification (germline): Uncertain significance (1 of 4 stars; one submission).

Allele frequency attached by ClinVar (database versions not stated): gnomAD exomes below 0.00001.
gnomAD v4.1: 3 of 1,613,688 alleles (0.00019%); highest among the groups gnomAD compares: Non-Finnish European, 0.00025%; no homozygotes.

Submission:

Ambry Genetics
Classification: Uncertain significance. Last evaluated: 2022-07-14. Review status: criteria provided, single submitter. Criteria: Ambry Variant Classification Scheme 2023. Collection method: clinical testing. Allele origin: germline.
Comment: The p.A986T variant (also known as c.2956G>A), located in coding exon 18 of the MYOM1 gene, results from a G to A substitution at nucleotide position 2956. The alanine at codon 986 is replaced by threonine, an amino acid with similar properties. This amino acid position is conserved. In addition, the in silico prediction for this alteration is inconclusive. Since supporting evidence is limited at this time, the clinical significance of this alteration remains unclear.